The following is an entry in ClinVar:

NM_005045.4(RELN):c.1559C>T (p.Pro520Leu)

Gene: RELN (reelin; minus strand). Cytogenetic location: 7q22.1.
Variant type: single nucleotide variant.
Coding change: c.1559C>T on transcript NM_005045.4 (MANE Select); coding-DNA position 1559, C replaced by T.
Protein change: p.Pro520Leu; replaces proline 520 with leucine.
Molecular consequence: missense variant.
Genome position (GRCh38, 1-based): chr7:103,652,755, G>A on the plus strand (C>T on the coding strand, the complement: RELN is on the minus strand). VCF-style: chr7-103652755-G-A. GRCh37 (hg19) VCF-style: chr7-103293202-G-A.
Other names: c.1559C>T, p.Pro520Leu (NM_173054.3); short protein forms P520L.
Identifiers: ClinVar variation 2932148 (VCV002932148.4), dbSNP rs1406679442, ClinGen allele CA368766059.

ClinVar aggregate classification (germline): Uncertain significance. Review status: criteria provided, multiple submitters, no conflicts (2 of 4 stars). 2 submissions from 2 submitters: Uncertain significance (2). Last evaluated 2024-12-26.

Conditions:
Familial temporal lobe epilepsy 7. Identifiers: Orphanet 101046, MedGen C4225327, MONDO:0014639, OMIM 616436.
Norman-Roberts syndrome (LIS2). Also called: Lissencephaly 2 (Norman-Roberts type). Identifiers: Orphanet 89844, MedGen C0796089, MONDO:0009760, OMIM 257320.

gnomAD v4.1: 2 of 1,612,370 alleles (0.00012%); highest among the groups gnomAD compares: East Asian, 0.0022%; no homozygotes.

Submissions (2):

Labcorp Genetics (formerly Invitae), Labcorp
Classification: Uncertain significance for Familial temporal lobe epilepsy 7; Norman-Roberts syndrome. Last evaluated: 2024-12-26. Review status: criteria provided, single submitter. Criteria: Invitae Variant Classification Sherloc (09022015). Collection method: clinical testing. Allele origin: germline.
Comment: This sequence change replaces proline, which is neutral and non-polar, with leucine, which is neutral and non-polar, at codon 520 of the RELN protein (p.Pro520Leu). This variant is not present in population databases (gnomAD no frequency). This variant has not been reported in the literature in individuals affected with RELN-related conditions. ClinVar contains an entry for this variant (Variation ID: 2932148). Invitae Evidence Modeling of protein sequence and biophysical properties (such as structural, functional, and spatial information, amino acid conservation, physicochemical variation, residue mobility, and thermodynamic stability) indicates that this missense variant is not expected to disrupt RELN protein function with a negative predictive value of 80%. In summary, the available evidence is currently insufficient to determine the role of this variant in disease. Therefore, it has been classified as a Variant of Uncertain Significance.

Blueprint Genetics
Classification: Uncertain significance. Last evaluated: 2024-06-12. Review status: criteria provided, single submitter. Criteria: ACMG Guidelines, 2015. Collection method: clinical testing. Allele origin: germline.